The following is an entry in ClinVar:

ClinVar aggregate classification (germline): Uncertain significance (1 of 4 stars; one submission).

Allele frequency attached by ClinVar (database versions not stated): gnomAD exomes below 0.00001.

Submission:

Ambry Genetics
Classification: Uncertain significance. Last evaluated: 2022-12-23. Review status: criteria provided, single submitter. Criteria: Ambry Variant Classification Scheme 2023. Collection method: clinical testing. Allele origin: germline.
Comment: The p.M1027V variant (also known as c.3079A>G), located in coding exon 25 of the BUB1 gene, results from an A to G substitution at nucleotide position 3079. The methionine at codon 1027 is replaced by valine, an amino acid with highly similar properties. This amino acid position is conserved. In addition, this alteration is predicted to be tolerated by in silico analysis. Since supporting evidence is limited at this time, the clinical significance of this alteration remains unclear.

NM_004336.5(BUB1):c.3079A>G (p.Met1027Val)

Gene: BUB1 (BUB1 mitotic checkpoint serine/threonine kinase; minus strand). Cytogenetic location: 2q13.
Variant type: single nucleotide variant.
Coding change: c.3079A>G on transcript NM_004336.5 (MANE Select); coding-DNA position 3079, A replaced by G.
Protein change: p.Met1027Val; replaces methionine 1027 with valine.
Molecular consequence: missense variant.
Genome position (GRCh38, 1-based): chr2:110,638,143, T>C on the plus strand (A>G on the coding strand, the complement: BUB1 is on the minus strand). VCF-style: chr2-110638143-T-C. GRCh37 (hg19) VCF-style: chr2-111395720-T-C.
Other names: c.3019A>G, p.Met1007Val (NM_001278616.2); c.2908A>G, p.Met970Val (NM_001278617.2); short protein forms M1027V, M1007V, M970V.
Identifiers: ClinVar variation 2446964 (VCV002446964.2), dbSNP rs2467963646, ClinGen allele CA348088609.